The following is an entry in ClinVar:

NM_175875.5(SIX5):c.1498G>A (p.Gly500Arg)

Gene: SIX5 (SIX homeobox 5; minus strand). Cytogenetic location: 19q13.32.
Variant type: single nucleotide variant.
Coding change: c.1498G>A on transcript NM_175875.5 (MANE Select); coding-DNA position 1498, G replaced by A.
Protein change: p.Gly500Arg; replaces glycine 500 with arginine.
Molecular consequence: missense variant.
Genome position (GRCh38, 1-based): chr19:45,766,461, C>T on the plus strand (G>A on the coding strand, the complement: SIX5 is on the minus strand). VCF-style: chr19-45766461-C-T. GRCh37 (hg19) VCF-style: chr19-46269719-C-T.
Other names: short protein forms G500R.
Identifiers: ClinVar variation 1285093 (VCV001285093.16), dbSNP rs766460655, ClinGen allele CA9520615.
Genomic context (GRCh38, chr19:45,766,461, plus strand): 5'-TGATGAGGTGCACATTGGCAGGGCCTGCTGCAGCTGCCACCTTCACAGGGCTGCCTGGCC[C>T]GGCTGCCAACAGCTGCAGGGGCCCCACAGCCTGGGGCAGGGTCACCACCTGTGAGGTGGG-3'
Protein context (NP_787071.3, residues 490-510): AVGPLQLLAA[Gly500Arg]PGSPVKVAAA

ClinVar aggregate classification (germline): Uncertain significance. Review status: criteria provided, multiple submitters, no conflicts (2 of 4 stars). 5 submissions from 5 submitters: Uncertain significance (3). 2 of the submissions do not count toward it. Last evaluated 2025-03-01.

Conditions:
Branchiootorenal syndrome 2 (BOR2). Identifiers: Orphanet 107, MedGen C1970479, MONDO:0012575, OMIM 610896.

Allele frequency attached by ClinVar (database versions not stated): gnomAD exomes 0.00006.
gnomAD v4.1: 56 of 1,536,022 alleles (0.0036%); highest among the groups gnomAD compares: Non-Finnish European, 0.0041%; no homozygotes.

Submissions (5):

CeGaT Center for Human Genetics Tuebingen
Classification: Uncertain significance. Last evaluated: 2025-03-01. Review status: criteria provided, single submitter. Criteria: CeGaT Center For Human Genetics Tuebingen Variant Classification Criteria Version 2. Collection method: clinical testing. Allele origin: germline. Affected: yes. Observed: 1 variant allele.
Comment: SIX5: PM2:Supporting, PP3

Fulgent Genetics
Classification: Uncertain significance for Branchiootorenal syndrome 2. Last evaluated: 2024-05-11. Review status: criteria provided, single submitter. Criteria: ACMG Guidelines, 2015. Collection method: clinical testing. Allele origin: germline.

Labcorp Genetics (formerly Invitae), Labcorp
Classification: Uncertain significance. Last evaluated: 2024-02-13. Review status: criteria provided, single submitter. Criteria: Invitae Variant Classification Sherloc (09022015). Collection method: clinical testing. Allele origin: germline.
Comment: This sequence change replaces glycine, which is neutral and non-polar, with arginine, which is basic and polar, at codon 500 of the SIX5 protein (p.Gly500Arg). This variant is present in population databases (rs766460655, gnomAD 0.01%). This variant has not been reported in the literature in individuals affected with SIX5-related conditions. ClinVar contains an entry for this variant (Variation ID: 1285093). Advanced modeling of protein sequence and biophysical properties (such as structural, functional, and spatial information, amino acid conservation, physicochemical variation, residue mobility, and thermodynamic stability) performed at Invitae indicates that this missense variant is not expected to disrupt SIX5 protein function with a negative predictive value of 80%. In summary, the available evidence is currently insufficient to determine the role of this variant in disease. Therefore, it has been classified as a Variant of Uncertain Significance.

Genome Diagnostics Laboratory, University Medical Center Utrecht
Classification: Likely benign. Review status: no assertion criteria provided. Collection method: clinical testing. Allele origin: germline. Affected: yes. Study: VKGL Data-share Consensus. Not counted in ClinVar's aggregate classification.

Joint Genome Diagnostic Labs from Nijmegen and Maastricht, Radboudumc and MUMC+
Classification: Likely benign. Review status: no assertion criteria provided. Collection method: clinical testing. Allele origin: germline. Affected: yes. Study: VKGL Data-share Consensus. Not counted in ClinVar's aggregate classification.